The following is an entry in ClinVar:

NM_000903.3(NQO1):c.57C>G (p.Asn19Lys)

Gene: NQO1 (NAD(P)H quinone dehydrogenase 1; minus strand). Cytogenetic location: 16q22.1.
Variant type: single nucleotide variant.
Coding change: c.57C>G on transcript NM_000903.3 (MANE Select); coding-DNA position 57, C replaced by G.
Protein change: p.Asn19Lys; replaces asparagine 19 with lysine.
Molecular consequence: missense variant.
Genome position (GRCh38, 1-based): chr16:69,718,485, G>C on the plus strand (C>G on the coding strand, the complement: NQO1 is on the minus strand). VCF-style: chr16-69718485-G-C. GRCh37 (hg19) VCF-style: chr16-69752388-G-C.
Other names: c.57C>G, p.Asn19Lys (NM_001025433.2, NM_001025434.2, NM_001286137.2); short protein forms N19K.
Identifiers: ClinVar variation 3300895 (VCV003300895.1).

ClinVar aggregate classification (germline): Uncertain significance (1 of 4 stars; one submission).

Submission:

Ambry Genetics
Classification: Uncertain significance. Last evaluated: 2024-03-24. Review status: criteria provided, single submitter. Criteria: Ambry Variant Classification Scheme 2023. Collection method: clinical testing. Allele origin: germline.
Comment: The p.N19K variant (also known as c.57C>G), located in coding exon 2 of the NQO1 gene, results from a C to G substitution at nucleotide position 57. The asparagine at codon 19 is replaced by lysine, an amino acid with similar properties. This amino acid position is conserved. In addition, this alteration is predicted to be tolerated by in silico analysis. Based on the available evidence, the clinical significance of this alteration remains unclear.